The following is an entry in ClinVar:

ClinVar aggregate classification (germline): Uncertain significance (1 of 4 stars; one submission).

Conditions:
Cardiovascular phenotype. Identifiers: MedGen CN230736.

Submission:

Ambry Genetics
Classification: Uncertain significance for Cardiovascular phenotype. Last evaluated: 2026-05-17. Review status: criteria provided, single submitter. Criteria: Ambry Variant Classification Scheme 2023. Collection method: clinical testing. Allele origin: germline.
Comment: The p.I204M variant (also known as c.612T>G), located in coding exon 6 of the SPRED1 gene, results from a T to G substitution at nucleotide position 612. The isoleucine at codon 204 is replaced by methionine, an amino acid with highly similar properties. This amino acid position is conserved. In addition, this alteration is predicted to be tolerated by in silico analysis. Based on the available evidence, the clinical significance of this variant remains unclear.

NM_152594.3(SPRED1):c.612T>G (p.Ile204Met)

Gene: SPRED1 (sprouty related EVH1 domain containing 1; plus strand). Cytogenetic location: 15q14.
Variant type: single nucleotide variant.
Coding change: c.612T>G on transcript NM_152594.3 (MANE Select); coding-DNA position 612, T replaced by G.
Protein change: p.Ile204Met; replaces isoleucine 204 with methionine.
Molecular consequence: missense variant.
Genome position (GRCh38, 1-based): chr15:38,349,451, T>G. VCF-style: chr15-38349451-T-G. GRCh37 (hg19) VCF-style: chr15-38641652-T-G.
Other names: short protein forms I204M.
Identifiers: ClinVar variation 4865034 (VCV004865034.1).